The following is an entry in ClinVar:

NM_176787.5(PIGN):c.709G>A (p.Gly237Arg)

Gene: PIGN (phosphatidylinositol glycan anchor biosynthesis class N; minus strand). Cytogenetic location: 18q21.33.
Variant type: single nucleotide variant.
Coding change: c.709G>A on transcript NM_176787.5 (MANE Select); coding-DNA position 709, G replaced by A.
Protein change: p.Gly237Arg; replaces glycine 237 with arginine.
Molecular consequence: missense variant.
Genome position (GRCh38, 1-based): chr18:62,147,067, C>T on the plus strand (G>A on the coding strand, the complement: PIGN is on the minus strand). VCF-style: chr18-62147067-C-T. GRCh37 (hg19) VCF-style: chr18-59814300-C-T.
Other names: c.709G>A, p.Gly237Arg (NM_012327.6); short protein forms G237R.
Identifiers: ClinVar variation 863012 (VCV000863012.10), dbSNP rs367920804, ClinGen allele CA8982522.

ClinVar aggregate classification (germline): Uncertain significance. Review status: criteria provided, multiple submitters, no conflicts (2 of 4 stars). 2 submissions from 2 submitters: Uncertain significance (2). Last evaluated 2024-05-13.

Conditions:
Multiple congenital anomalies-hypotonia-seizures syndrome 1 (MCAHS1). Also called: GLYCOSYLPHOSPHATIDYLINOSITOL BIOSYNTHESIS DEFECT 3; PIGN-CDG; Congenital disorder of glycosylation due to PIGN deficiency. Identifiers: Orphanet 280633, MedGen C3279775, MONDO:0013563, OMIM 614080.

Allele frequency attached by ClinVar (database versions not stated): gnomAD 0.00001; TOPMed 0.00001; ExAC 0.00002; gnomAD exomes 0.00002; ESP Exome Variant Server 0.00008.
gnomAD v4.1: 24 of 1,606,460 alleles (0.0015%); highest among the groups gnomAD compares: Non-Finnish European, 0.0019%; no homozygotes.

Submissions (2):

Women's Health and Genetics/Laboratory Corporation of America, LabCorp
Classification: Uncertain significance. Last evaluated: 2024-05-13. Review status: criteria provided, single submitter. Criteria: LabCorp Variant Classification Summary - May 2015. Collection method: clinical testing. Allele origin: germline.
Comment: Variant summary: PIGN c.709G>A (p.Gly237Arg) results in a non-conservative amino acid change located in the GPI ethanolamine phosphate transferase 1, N-terminal (IPR037671) of the encoded protein sequence. Three of five in-silico tools predict a damaging effect of the variant on protein function. The variant allele was found at a frequency of 1.6e-05 in 245180 control chromosomes. The available data on variant occurrences in the general population are insufficient to allow any conclusion about variant significance. c.709G>A has been reported in the literature in individuals affected with Multiple Congenital Anomalies-Hypotonia Syndrome 1 (Fleming_2016). These report(s) do not provide unequivocal conclusions about association of the variant with Multiple Congenital Anomalies-Hypotonia Syndrome 1. To our knowledge, no experimental evidence demonstrating an impact on protein function has been reported. The following publication have been ascertained in the context of this evaluation (PMID: 26394714). ClinVar contains an entry for this variant (Variation ID: 863012). Based on the evidence outlined above, the variant was classified as uncertain significance.

Labcorp Genetics (formerly Invitae), Labcorp
Classification: Uncertain significance for Multiple congenital anomalies-hypotonia-seizures syndrome 1. Last evaluated: 2022-03-19. Review status: criteria provided, single submitter. Criteria: Invitae Variant Classification Sherloc (09022015). Collection method: clinical testing. Allele origin: germline.
Comment: In summary, the available evidence is currently insufficient to determine the role of this variant in disease. Therefore, it has been classified as a Variant of Uncertain Significance. Algorithms developed to predict the effect of missense changes on protein structure and function output the following: SIFT: "Deleterious"; PolyPhen-2: "Benign"; Align-GVGD: "Class C0". The arginine amino acid residue is found in multiple mammalian species, which suggests that this missense change does not adversely affect protein function. ClinVar contains an entry for this variant (Variation ID: 863012). This missense change has been observed in individual(s) with PIGN-related congenital disorder of glycosylation (PMID: 26394714). This variant is present in population databases (rs367920804, gnomAD 0.004%). This sequence change replaces glycine, which is neutral and non-polar, with arginine, which is basic and polar, at codon 237 of the PIGN protein (p.Gly237Arg).

Literature cited by the submitters: PubMed 26394714 (cited by Women's Health and Genetics/Laboratory Corporation of America, LabCorp and Labcorp Genetics (formerly Invitae), Labcorp).